The following is an entry in ClinVar:

NM_015122.3(FCHO1):c.921-3C>T

Gene: FCHO1 (FCH and mu domain containing endocytic adaptor 1; plus strand). Cytogenetic location: 19p13.11.
Variant type: single nucleotide variant.
Coding change: c.921-3C>T on transcript NM_015122.3 (MANE Select); 3 bases into the intron before coding-DNA position 921, C replaced by T.
Molecular consequence: intron variant.
Genome position (GRCh38, 1-based): chr19:17,775,053, C>T. VCF-style: chr19-17775053-C-T. GRCh37 (hg19) VCF-style: chr19-17885862-C-T.
Other names: c.921-3C>T (NM_001384370.1, NM_001384396.1, NM_001384404.1 and 25 more transcripts); c.846-3C>T (NM_001384390.1); c.771-3C>T (NM_001384406.1, NM_001384407.1, NM_001384384.1 and 3 more transcripts); c.876-3C>T (NM_001384403.1); c.882-3C>T (NM_001384388.1, NM_001384405.1, NM_001384389.1).
Identifiers: ClinVar variation 2966606 (VCV002966606.2), dbSNP rs777902487, ClinGen allele CA9300308.

ClinVar aggregate classification (germline): Uncertain significance (1 of 4 stars; one submission).

Allele frequency attached by ClinVar (database versions not stated): gnomAD 0.00003; gnomAD exomes 0.00003; TOPMed 0.00004; ExAC 0.00007.
gnomAD v4.1: 46 of 1,613,322 alleles (0.0029%); highest among the groups gnomAD compares: East Asian, 0.011%; no homozygotes.

Submission:

Labcorp Genetics (formerly Invitae), Labcorp
Classification: Uncertain significance. Last evaluated: 2025-02-02. Review status: criteria provided, single submitter. Criteria: Invitae Variant Classification Sherloc (09022015). Collection method: clinical testing. Allele origin: germline.
Comment: This sequence change falls in intron 13 of the FCHO1 gene. It does not directly change the encoded amino acid sequence of the FCHO1 protein. It affects a nucleotide within the consensus splice site. This variant is present in population databases (rs777902487, gnomAD 0.05%). This variant has not been reported in the literature in individuals affected with FCHO1-related conditions. ClinVar contains an entry for this variant (Variation ID: 2966606). Variants that disrupt the consensus splice site are a relatively common cause of aberrant splicing (PMID: 17576681, 9536098). Algorithms developed to predict the effect of sequence changes on RNA splicing suggest that this variant is not likely to affect RNA splicing. In summary, the available evidence is currently insufficient to determine the role of this variant in disease. Therefore, it has been classified as a Variant of Uncertain Significance.

Literature cited by the submitters: PubMed 17576681; PubMed 9536098.